The following is an entry in ClinVar:

ClinVar aggregate classification (germline): Uncertain significance (1 of 4 stars; one submission).

Submission:

Ambry Genetics
Classification: Uncertain significance. Last evaluated: 2026-03-06. Review status: criteria provided, single submitter. Criteria: Ambry Variant Classification Scheme 2023. Collection method: clinical testing. Allele origin: germline.
Comment: The c.209T>C (p.L70P) alteration is located in exon 3 (coding exon 3) of the HDAC3 gene. This alteration results from a T to C substitution at nucleotide position 209, causing the leucine (L) at amino acid position 70 to be replaced by a proline (P). This variant was not reported in population-based cohorts in the Genome Aggregation Database (gnomAD). This amino acid position is highly conserved in available vertebrate species. This missense variant is located in a region that has a low rate of benign missense variation (Lek, 2016; Firth, 2009). This alteration is predicted to be deleterious by in silico analysis. Based on insufficient or conflicting evidence, the clinical significance of this alteration remains unclear.

NM_003883.4(HDAC3):c.209T>C (p.Leu70Pro)

Gene: HDAC3 (histone deacetylase 3; minus strand). Cytogenetic location: 5q31.3.
Variant type: single nucleotide variant.
Coding change: c.209T>C on transcript NM_003883.4 (MANE Select); coding-DNA position 209, T replaced by C.
Protein change: p.Leu70Pro; replaces leucine 70 with proline.
Molecular consequence: missense variant. On other transcripts: non-coding transcript variant (4), intron variant (2).
Genome position (GRCh38, 1-based): chr5:141,634,883, A>G on the plus strand (T>C on the coding strand, the complement: HDAC3 is on the minus strand). VCF-style: chr5-141634883-A-G. GRCh37 (hg19) VCF-style: chr5-141014450-A-G.
Other names: c.209T>C, p.Leu70Pro (NM_001355039.2); c.-123+1665T>C (NM_001355040.2); c.-281+1665T>C (NM_001355041.2); short protein forms L70P.
Identifiers: ClinVar variation 4840836 (VCV004840836.1).